The following is an entry in ClinVar:

NC_000005.9:g.(?_82491569)_(82554516_?)del

Gene: XRCC4 (X-ray repair cross complementing 4; plus strand). Cytogenetic location: 5q14.2.
Variant type: Deletion.
Identifiers: ClinVar variation 2426743 (VCV002426743.4).

ClinVar aggregate classification (germline): Pathogenic (1 of 4 stars; one submission).

Submission:

Labcorp Genetics (formerly Invitae), Labcorp
Classification: Pathogenic. Last evaluated: 2022-10-13. Review status: criteria provided, single submitter. Criteria: Invitae Variant Classification Sherloc (09022015). Collection method: clinical testing. Allele origin: germline.
Comment: For these reasons, this variant has been classified as Pathogenic. This variant disrupts a region of the XRCC4 protein in which other variant(s) (p.Asp254Metfs*68) have been determined to be pathogenic (PMID: 26255102). This suggests that this is a clinically significant region of the protein, and that variants that disrupt it are likely to be disease-causing. This variant has not been reported in the literature in individuals affected with XRCC4-related conditions. This variant is a gross deletion of the genomic region encompassing exon(s) 4-7 of the XRCC4 gene. While this deletion is not anticipated to lead to nonsense mediated decay, it is expected to disrupt the C-terminus of the protein.

Literature cited by the submitters: PubMed 26255102.